The following is an entry in ClinVar:

NM_138711.6(PPARG):c.1364A>G (p.Lys455Arg)

Gene: PPARG (peroxisome proliferator activated receptor gamma; plus strand). Cytogenetic location: 3p25.2.
Variant type: single nucleotide variant.
Coding change: c.1364A>G on transcript NM_138711.6 (MANE Select); coding-DNA position 1364, A replaced by G.
Protein change: p.Lys455Arg; replaces lysine 455 with arginine.
Molecular consequence: missense variant. On other transcripts: 3 prime UTR variant (5).
Genome position (GRCh38, 1-based): chr3:12,434,081, A>G. VCF-style: chr3-12434081-A-G. GRCh37 (hg19) VCF-style: chr3-12475580-A-G.
Other names: c.*166A>G (NM_001330615.4, NM_001374261.3, NM_001374262.3 and 1 more transcripts); c.1364A>G, p.Lys455Arg (NM_001354666.3, NM_001354667.3, NM_001374263.2 and 3 more transcripts); c.737A>G, p.Lys246Arg (NM_001354669.2); c.*150A>G (NM_001374266.1); c.1454A>G, p.Lys485Arg (NM_015869.5); short protein forms K485R, K246R, K455R.
Identifiers: ClinVar variation 4700775 (VCV004700775.1).
Genomic context (GRCh38, chr3:12,434,081, plus strand): 5'-AGAAAATGACAGACCTCAGACAGATTGTCACGGAACACGTGCAGCTACTGCAGGTGATCA[A>G]GAAGACGGAGACAGACATGAGTCTTCACCCGCTCCTGCAGGAGATCTACAAGGACTTGTA-3'
Protein context (NP_619725.3, residues 445-465): TEHVQLLQVI[Lys455Arg]KTETDMSLHP

ClinVar aggregate classification (germline): Uncertain significance (1 of 4 stars; one submission).

gnomAD v4.1: 10 of 1,614,104 alleles (0.00062%); highest among the groups gnomAD compares: African/African-American, 0.008%; no homozygotes.

Submission:

Labcorp Genetics (formerly Invitae), Labcorp
Classification: Uncertain significance. Last evaluated: 2025-07-14. Review status: criteria provided, single submitter. Criteria: Invitae Variant Classification Sherloc (09022015). Collection method: clinical testing. Allele origin: germline.
Comment: This sequence change replaces lysine, which is basic and polar, with arginine, which is basic and polar, at codon 485 of the PPARG protein (p.Lys485Arg). This variant is present in population databases (no rsID available, gnomAD 0.01%). This variant has not been reported in the literature in individuals affected with PPARG-related conditions. Invitae Evidence Modeling of protein sequence and biophysical properties (such as structural, functional, and spatial information, amino acid conservation, physicochemical variation, residue mobility, and thermodynamic stability) indicates that this missense variant is not expected to disrupt PPARG protein function with a negative predictive value of 95%. In summary, the available evidence is currently insufficient to determine the role of this variant in disease. Therefore, it has been classified as a Variant of Uncertain Significance.